The following is an entry in ClinVar:

ClinVar aggregate classification (germline): Uncertain significance (1 of 4 stars; one submission).

Conditions:
Primary ciliary dyskinesia. Also called: Ciliary dyskinesia. Identifiers: Orphanet 244, MedGen C0008780, MONDO:0016575, HP:0012265.

gnomAD v4.1: 1 of 1,613,428 alleles (0.000062%); highest among the groups gnomAD compares: Admixed American, 0.0017%; no homozygotes.

Submission:

Labcorp Genetics (formerly Invitae), Labcorp
Classification: Uncertain significance for Primary ciliary dyskinesia. Last evaluated: 2023-03-04. Review status: criteria provided, single submitter. Criteria: Invitae Variant Classification Sherloc (09022015). Collection method: clinical testing. Allele origin: germline.
Comment: This variant has not been reported in the literature in individuals affected with CCDC114-related conditions. This sequence change replaces arginine, which is basic and polar, with leucine, which is neutral and non-polar, at codon 359 of the CCDC114 protein (p.Arg359Leu). This variant is not present in population databases (gnomAD no frequency). An algorithm developed to predict the effect of missense changes on protein structure and function (PolyPhen-2) suggests that this variant is likely to be tolerated. In summary, the available evidence is currently insufficient to determine the role of this variant in disease. Therefore, it has been classified as a Variant of Uncertain Significance.

NM_001364171.2(ODAD1):c.1187G>T (p.Arg396Leu)

Gene: ODAD1 (outer dynein arm docking complex subunit 1; minus strand). Cytogenetic location: 19q13.33.
Variant type: single nucleotide variant.
Coding change: c.1187G>T on transcript NM_001364171.2 (MANE Select); coding-DNA position 1187, G replaced by T.
Protein change: p.Arg396Leu; replaces arginine 396 with leucine.
Molecular consequence: missense variant.
Genome position (GRCh38, 1-based): chr19:48,302,747, C>A on the plus strand (G>T on the coding strand, the complement: ODAD1 is on the minus strand). VCF-style: chr19-48302747-C-A. GRCh37 (hg19) VCF-style: chr19-48806004-C-A.
Other names: c.1076G>T, p.Arg359Leu (NM_144577.4); short protein forms R396L, R359L.
Identifiers: ClinVar variation 2721936 (VCV002721936.3), dbSNP rs139618333, ClinGen allele CA406659105.